The following is an entry in ClinVar:

ClinVar aggregate classification (germline): Conflicting classifications of pathogenicity. Review status: criteria provided, conflicting classifications (1 of 4 stars). 8 submissions from 8 submitters: Uncertain significance (1); Benign (2); Likely benign (4). 1 of the submissions does not count toward it. Last evaluated 2026-01-28.

Conditions:
TSC2-related disorder. Also called: TSC2-Related Disorders; TSC2-related condition.
Hereditary cancer-predisposing syndrome. Also called: Tumor predisposition; Hereditary Cancer Syndrome; Neoplastic Syndromes, Hereditary; Hereditary neoplastic syndrome. Identifiers: Orphanet 140162, MedGen C0027672, MeSH D009386, MONDO:0015356.
Tuberous sclerosis 2 (TSC2). Identifiers: Orphanet 805, MedGen C1860707, MONDO:0013199, OMIM 613254.
Tuberous sclerosis syndrome (TSC). Also called: Tuberous Sclerosis Complex; Tuberous sclerosis. Identifiers: Orphanet 805, MedGen C0041341, MONDO:0001734.

Allele frequency attached by ClinVar (database versions not stated): TOPMed below 0.00001; gnomAD 0.00001; gnomAD exomes 0.00001 and 0.00003; 1000 Genomes Project 30x 0.00016; 1000 Genomes Project 0.00020.
gnomAD v4.1: 23 of 1,551,248 alleles (0.0015%); highest among the groups gnomAD compares: East Asian, 0.037%; no homozygotes.

Submissions (8):

Labcorp Genetics (formerly Invitae), Labcorp
Classification: Likely benign for Tuberous sclerosis 2. Last evaluated: 2026-01-28. Review status: criteria provided, single submitter. Criteria: Invitae Variant Classification Sherloc (09022015). Collection method: clinical testing. Allele origin: germline.

Myriad Genetics, Inc.
Classification: Benign for Tuberous sclerosis 2. Last evaluated: 2024-09-05. Review status: criteria provided, single submitter. Criteria: Myriad Autosomal Dominant, Autosomal Recessive and X-Linked Classification Criteria (2023). Collection method: clinical testing. Allele origin: unknown.
Comment: This variant is considered benign. This variant is intronic and is not expected to impact mRNA splicing. This variant has been observed at a population frequency that is significantly greater than expected given the associated disease prevalence and penetrance.

All of Us Research Program, National Institutes of Health
Classification: Benign for Tuberous sclerosis syndrome. Last evaluated: 2023-08-08. Review status: criteria provided, single submitter. Criteria: ACMG Guidelines, 2015. Collection method: clinical testing. Allele origin: germline. Inheritance: Autosomal dominant inheritance. Observed: 4 variant alleles, 4 heterozygotes.
Comment: This study involves interpretation of variants in research participants for the purpose of population health screening. Participant phenotype was not available at the time of variant classification. Additional details can be found in publication PMID: 35346344, PMCID: PMC8962531

Genome-Nilou Lab
Classification: Likely benign for Tuberous sclerosis 2. Last evaluated: 2021-11-07. Review status: criteria provided, single submitter. Criteria: ACMG Guidelines, 2015. Collection method: clinical testing. Allele origin: germline. Affected: no.

Ambry Genetics
Classification: Likely benign for Hereditary cancer-predisposing syndrome. Last evaluated: 2021-09-17. Review status: criteria provided, single submitter. Criteria: Ambry Variant Classification Scheme 2023. Collection method: clinical testing. Allele origin: germline.

CeGaT Center for Human Genetics Tuebingen
Classification: Likely benign. Last evaluated: 2019-06-01. Review status: criteria provided, single submitter. Criteria: CeGaT Center For Human Genetics Tuebingen Variant Classification Criteria Version 2. Collection method: clinical testing. Allele origin: germline. Affected: yes. Observed: 1 variant allele.

Illumina Laboratory Services, Illumina
Classification: Uncertain significance for Tuberous sclerosis syndrome. Last evaluated: 2018-01-13. Review status: criteria provided, single submitter. Criteria: ICSL Variant Classification Criteria 13 December 2019. Collection method: clinical testing. Allele origin: germline.

PreventionGenetics, part of Exact Sciences
Classification: Likely benign for TSC2-related condition. Last evaluated: 2022-03-16. Review status: no assertion criteria provided. Collection method: clinical testing. Allele origin: germline. Not counted in ClinVar's aggregate classification.
Comment: This variant is classified as likely benign based on ACMG/AMP sequence variant interpretation guidelines (Richards et al. 2015 PMID: 25741868, with internal and published modifications).

NM_000548.5(TSC2):c.775-5C>T

Gene: TSC2 (TSC complex subunit 2; plus strand). Cytogenetic location: 16p13.3.
Variant type: single nucleotide variant.
Coding change: c.775-5C>T on transcript NM_000548.5 (MANE Select); 5 bases into the intron before coding-DNA position 775, C replaced by T.
Molecular consequence: intron variant.
Genome position (GRCh38, 1-based): chr16:2,057,100, C>T. VCF-style: chr16-2057100-C-T. GRCh37 (hg19) VCF-style: chr16-2107101-C-T.
Other names: c.775-5C>T (NM_000548.4, NM_001114382.3, NM_021055.3 and 4 more transcripts); c.664-5C>T (NM_001318827.2); c.175-5C>T (NM_001318831.2); c.628-5C>T (NM_001318829.2); c.808-5C>T (NM_001318832.2).
Identifiers: ClinVar variation 238092 (VCV000238092.64), dbSNP rs181827303, ClinGen allele CA10583285.
Genomic context (GRCh38, chr16:2,057,100, plus strand): 5'-AGCGGGACTGGGGCTGGGGGCAGGGCTTATGCCTGCCAGCCCCTGACACGCATTGTGTCT[C>T]GCAGCTGATGCGGAACCTCCTTGGCACCCACCTGGGCCACAGCGCCATCTACAACATGTG-3'